The following is an entry in ClinVar:

ClinVar aggregate classification (germline): Uncertain significance (1 of 4 stars; one submission).

Conditions:
Epidermolysis bullosa simplex 3, localized or generalized intermediate, with BP230 deficiency (EBS3). Also called: Epidermolysis bullosa simplex, autosomal recessive 2; Epidermolysis bullosa simplex due to BP230 deficiency. Identifiers: Orphanet 412181, MedGen C3809470, MONDO:0014180, OMIM 615425.
Hereditary sensory and autonomic neuropathy type 6. Also called: HSAN VI; Neuropathy, hereditary sensory and autonomic, type VI. Identifiers: Orphanet 314381, MedGen C3539003, MONDO:0013839, OMIM 614653.

Allele frequency attached by ClinVar (database versions not stated): TOPMed below 0.00001; ExAC 0.00001; gnomAD exomes 0.00001.
gnomAD v4.1: 19 of 1,613,880 alleles (0.0012%); highest among the groups gnomAD compares: Non-Finnish European, 0.0014%; no homozygotes.

Submission:

Labcorp Genetics (formerly Invitae), Labcorp
Classification: Uncertain significance for Epidermolysis bullosa simplex 3, localized or generalized intermediate, with BP230 deficiency; Hereditary sensory and autonomic neuropathy type 6. Last evaluated: 2021-08-12. Review status: criteria provided, single submitter. Criteria: Invitae Variant Classification Sherloc (09022015). Collection method: clinical testing. Allele origin: germline.
Comment: In summary, the available evidence is currently insufficient to determine the role of this variant in disease. Therefore, it has been classified as a Variant of Uncertain Significance. Algorithms developed to predict the effect of sequence changes on RNA splicing suggest that this variant may create or strengthen a splice site. Experimental studies and prediction algorithms are not available or were not evaluated, and the functional significance of this variant is currently unknown. This variant has not been reported in the literature in individuals affected with DST-related conditions. This variant is present in population databases (rs765541556, ExAC 0.002%). This sequence change replaces arginine with glutamine at codon 4597 of the DST protein (p.Arg4597Gln). The DST gene has multiple clinically relevant transcripts. This variant occurs in alternate transcript NM_015548.4, and corresponds to NM_001723.5:c.*138156G>A in the primary transcript.

NM_001374736.1(DST):c.21659G>A (p.Arg7220Gln)

Gene: DST (dystonin; minus strand). Cytogenetic location: 6p12.1.
Variant type: single nucleotide variant.
Coding change: c.21659G>A on transcript NM_001374736.1 (MANE Select); coding-DNA position 21659, G replaced by A.
Protein change: p.Arg7220Gln; replaces arginine 7220 with glutamine.
Molecular consequence: missense variant.
Genome position (GRCh38, 1-based): chr6:56,477,361, C>T on the plus strand (G>A on the coding strand, the complement: DST is on the minus strand). VCF-style: chr6-56477361-C-T. GRCh37 (hg19) VCF-style: chr6-56342159-C-T.
Other names: c.15302G>A, p.Arg5101Gln (NM_001144769.5); c.14888G>A, p.Arg4963Gln (NM_001144770.2); c.21659G>A, p.Arg7220Gln (NM_001374722.1); c.20699G>A, p.Arg6900Gln (NM_001374729.1); c.14441G>A, p.Arg4814Gln (NM_001374730.1); c.21686G>A, p.Arg7229Gln (NM_001374734.1); c.14768G>A, p.Arg4923Gln (NM_001386100.1, NM_183380.4); c.13790G>A, p.Arg4597Gln (NM_015548.5); short protein forms R4597Q, R4814Q, R4923Q, R4963Q, R5101Q, R6900Q, R7220Q, R7229Q.
Identifiers: ClinVar variation 1000055 (VCV001000055.6), dbSNP rs765541556, ClinGen allele CA3866419.